The following is an entry in ClinVar:

ClinVar aggregate classification (germline): Benign/Likely benign; association. Review status: criteria provided, multiple submitters, no conflicts (2 of 4 stars). 8 submissions from 8 submitters: Benign (5); Likely benign (2). Last evaluated 2026-02-04.

Conditions:
Pityriasis rubra pilaris (PRP). Also called: Pityriasis rubra pilaris--familial type. Identifiers: Orphanet 2897, MedGen C0032027, MONDO:0100017, OMIM 173200, MONDO:0008251.
Psoriasis 2. Identifiers: MedGen C1864497, MONDO:0011269, OMIM 602723.

Allele frequency attached by ClinVar (database versions not stated): ESP Exome Variant Server 0.05637; gnomAD 0.06519 and 0.06703; TOPMed 0.06888; 1000 Genomes Project 0.07808; 1000 Genomes Project 30x 0.07823; ExAC 0.08418; gnomAD exomes 0.08723.

Submissions (8):

Labcorp Genetics (formerly Invitae), Labcorp
Classification: Benign for Pityriasis rubra pilaris; Psoriasis 2. Last evaluated: 2026-02-04. Review status: criteria provided, single submitter. Criteria: Invitae Variant Classification Sherloc (09022015). Collection method: clinical testing. Allele origin: germline.

Women's Health and Genetics/Laboratory Corporation of America, LabCorp
Classification: Likely benign. Last evaluated: 2026-01-21. Review status: criteria provided, single submitter. Criteria: LabCorp Variant Classification Summary - May 2015. Collection method: clinical testing. Allele origin: germline.

Blueprint Genetics
Classification: Likely benign. Last evaluated: 2024-11-28. Review status: criteria provided, single submitter. Criteria: ACMG Guidelines, 2015. Collection method: clinical testing. Allele origin: germline.

Unidad de Genómica Garrahan, Hospital de Pediatría Garrahan
Classification: Benign. Last evaluated: 2023-11-12. Review status: criteria provided, single submitter. Criteria: ACMG Guidelines, 2015. Collection method: clinical testing. Allele origin: germline. Affected: no. Observed: 21 variant alleles.
Comment: This variant is classified as Benign based on local population frequency. This variant was detected in 22% of patients studied by a panel of primary immunodeficiencies. Number of patients: 21. Only high quality variants are reported.

GeneDx
Classification: Benign. Last evaluated: 2018-07-05. Review status: criteria provided, single submitter. Criteria: GeneDx Variant Classification Process June 2021. Collection method: clinical testing. Allele origin: germline. Affected: yes.
Comment: This variant is associated with the following publications: (PMID: 32725812)

Mayo Clinic Laboratories, Mayo Clinic
Classification: Benign. Last evaluated: 2018-05-10. Review status: criteria provided, single submitter. Criteria: ACMG Guidelines, 2015. Collection method: clinical testing. Allele origin: germline. Observed: 150 variant alleles.

Breakthrough Genomics
Classification: Benign. Review status: criteria provided, single submitter. Criteria: ACMG Guidelines, 2015. Collection method: not provided. Allele origin: germline. Inheritance: Autosomal dominant inheritance. Affected: yes.

Clinical Genomics, Uppaluri K&H Personalized Medicine Clinic
Classification: association for Pityriasis rubra pilaris. Review status: criteria provided, single submitter. Criteria: K &amp; H Uppaluri Personalized Medicine Clinic Variant Classification &amp; Assertion Criteria_Updated V.1. Collection method: clinical testing. Allele origin: germline. Inheritance: Autosomal dominant inheritance. Affected: yes. Observed: 1 heterozygote.
Comment: CARD14 is a scaffold protein that mediates NF-κB signal transduction in skin keratinocytes. Potent mutations in Card14 have been shown to be associated with familial pustular psoriasis and other cutaneous inflammatory conditions like Pytriasis rubra pilaris. Sufficient evidence is found to confer the association of this particular variant rs34367357 with psoriasis

Literature cited by the submitters: PubMed 32725812 (cited by Clinical Genomics, Uppaluri K&H Personalized Medicine Clinic); PubMed 26984337 (cited by Clinical Genomics, Uppaluri K&H Personalized Medicine Clinic); PubMed 30697821 (cited by Clinical Genomics, Uppaluri K&H Personalized Medicine Clinic); PubMed 22521419 (cited by Clinical Genomics, Uppaluri K&H Personalized Medicine Clinic).

NM_001366385.1(CARD14):c.1753G>A (p.Val585Ile)

Gene: CARD14 (caspase recruitment domain family member 14; plus strand). Cytogenetic location: 17q25.3.
Variant type: single nucleotide variant.
Coding change: c.1753G>A on transcript NM_001366385.1 (MANE Select); coding-DNA position 1753, G replaced by A.
Protein change: p.Val585Ile; replaces valine 585 with isoleucine.
Molecular consequence: missense variant. On other transcripts: non-coding transcript variant (1).
Genome position (GRCh38, 1-based): chr17:80,198,493, G>A. VCF-style: chr17-80198493-G-A. GRCh37 (hg19) VCF-style: chr17-78172292-G-A.
Other names: p.Val585Ile; c.1753G>A, p.Val585Ile (NM_001257970.1, NM_024110.4); c.1042G>A, p.Val348Ile (NM_052819.3); short protein forms V348I, V585I.
Identifiers: ClinVar variation 1167399 (VCV001167399.18), dbSNP rs34367357, ClinGen allele CA8816974.